The following is an entry in ClinVar:

NM_172107.4(KCNQ2):c.2217G>C (p.Leu739=)

Gene: KCNQ2 (potassium voltage-gated channel subfamily Q member 2; minus strand). Cytogenetic location: 20q13.33.
Variant type: single nucleotide variant.
Coding change: c.2217G>C on transcript NM_172107.4 (MANE Select); coding-DNA position 2217, G replaced by C.
Protein change: p.Leu739=; no amino-acid change (leucine 739 retained).
Molecular consequence: synonymous variant.
Genome position (GRCh38, 1-based): chr20:63,407,046, C>G on the plus strand (G>C on the coding strand, the complement: KCNQ2 is on the minus strand). VCF-style: chr20-63407046-C-G. GRCh37 (hg19) VCF-style: chr20-62038399-C-G.
Other names: c.2133G>C, p.Leu711= (NM_004518.6); c.2163G>C, p.Leu721= (NM_172106.3); c.2124G>C, p.Leu708= (NM_172108.5).
Identifiers: ClinVar variation 510765 (VCV000510765.3), dbSNP rs1555850719, ClinGen allele CA511339474.
Genomic context (GRCh38, chr20:63,407,046, plus strand): 5'-GTTGCCCCCGCCGTAGGCGGACAGCGACCGCTCGTGGGCAGGCGGCGGCGGGATGCGCAC[C>G]AGGGAGCCGTGGTCCCCCACGGGGGAGGTGCCGTGGCCCTGGCGCGGGTGGCTCTGTGGC-3'
Protein context (NP_742105.1, residues 729-749): GTSPVGDHGS[Leu739=]VRIPPPPAHE

ClinVar aggregate classification (germline): Likely benign. Review status: criteria provided, multiple submitters, no conflicts (2 of 4 stars). 2 submissions from 2 submitters: Likely benign (2). Last evaluated 2024-04-19.

Conditions:
Early-infantile DEE. Also called: Early infantile epileptic encephalopathy with suppression bursts; Early infantile epileptic encephalopathy; Ohtahara syndrome. Identifiers: Orphanet 1934, MedGen C0393706, MONDO:0800491.

gnomAD v4.1: 1 of 1,519,386 alleles (0.000066%); no homozygotes.

Submissions (2):

Labcorp Genetics (formerly Invitae), Labcorp
Classification: Likely benign for Early-infantile DEE. Last evaluated: 2024-04-19. Review status: criteria provided, single submitter. Criteria: Invitae Variant Classification Sherloc (09022015). Collection method: clinical testing. Allele origin: germline.

GeneDx
Classification: Likely benign. Last evaluated: 2017-07-07. Review status: criteria provided, single submitter. Criteria: GeneDx Variant Classification (06012015). Collection method: clinical testing. Allele origin: germline. Affected: yes.
Comment: This variant is considered likely benign or benign based on one or more of the following criteria: it is a conservative change, it occurs at a poorly conserved position in the protein, it is predicted to be benign by multiple in silico algorithms, and/or has population frequency not consistent with disease.